The following is an entry in ClinVar:

ClinVar aggregate classification (germline): Pathogenic (1 of 4 stars; one submission).

Submission:

Labcorp Genetics (formerly Invitae), Labcorp
Classification: Pathogenic. Last evaluated: 2024-05-20. Review status: criteria provided, single submitter. Criteria: Invitae Variant Classification Sherloc (09022015). Collection method: clinical testing. Allele origin: germline.
Comment: This sequence change creates a premature translational stop signal (p.Tyr343*) in the PNLIP gene. It is expected to result in an absent or disrupted protein product. Loss-of-function variants in PNLIP are known to be pathogenic (PMID: 31977950, 35284057). This variant is not present in population databases (gnomAD no frequency). This variant has not been reported in the literature in individuals affected with PNLIP-related conditions. Algorithms developed to predict the effect of sequence changes on RNA splicing suggest that this variant may disrupt the consensus splice site. For these reasons, this variant has been classified as Pathogenic.

Literature cited by the submitters: PubMed 31977950; PubMed 35284057.

NM_000936.4(PNLIP):c.1029T>G (p.Tyr343Ter)

Gene: PNLIP (pancreatic lipase; plus strand). Cytogenetic location: 10q25.3.
Variant type: single nucleotide variant.
Coding change: c.1029T>G on transcript NM_000936.4 (MANE Select); coding-DNA position 1029, T replaced by G.
Protein change: p.Tyr343Ter; replaces tyrosine 343 with a stop codon.
Molecular consequence: nonsense.
Genome position (GRCh38, 1-based): chr10:116,559,252, T>G. VCF-style: chr10-116559252-T-G. GRCh37 (hg19) VCF-style: chr10-118318764-T-G.
Other names: short protein forms Y343*.
Identifiers: ClinVar variation 3690583 (VCV003690583.2), dbSNP rs1847288716.